The following is an entry in ClinVar:

ClinVar aggregate classification (germline): Uncertain significance (1 of 4 stars; one submission).

Conditions:
MEGF10-related myopathy (CMYO10A). Also called: Congenital myopathy 10A, severe variant. Identifiers: Orphanet 439212, MedGen C3280679, MONDO:0013731, OMIM 614399.

Allele frequency attached by ClinVar (database versions not stated): TOPMed below 0.00001; gnomAD 0.00001; ExAC 0.00002; gnomAD exomes 0.00002.
gnomAD v4.1: 16 of 1,613,994 alleles (0.00099%); highest among the groups gnomAD compares: Admixed American, 0.0017%; no homozygotes.

Submission:

Labcorp Genetics (formerly Invitae), Labcorp
Classification: Uncertain significance for MEGF10-related myopathy. Last evaluated: 2018-12-07. Review status: criteria provided, single submitter. Criteria: Invitae Variant Classification Sherloc (09022015). Collection method: clinical testing. Allele origin: germline.
Comment: In summary, the available evidence is currently insufficient to determine the role of this variant in disease. Therefore, it has been classified as a Variant of Uncertain Significance. Algorithms developed to predict the effect of sequence changes on RNA splicing suggest that this variant may create or strengthen a splice site, but this prediction has not been confirmed by published transcriptional studies. Algorithms developed to predict the effect of missense changes on protein structure and function (SIFT, PolyPhen-2, Align-GVGD) all suggest that this variant is likely to be disruptive, but these predictions have not been confirmed by published functional studies and their clinical significance is uncertain. This variant has not been reported in the literature in individuals with MEGF10-related conditions. This variant is present in population databases (rs769798459, ExAC 0.009%). This sequence change replaces glycine with arginine at codon 764 of the MEGF10 protein (p.Gly764Arg). The glycine residue is highly conserved and there is a moderate physicochemical difference between glycine and arginine.

NM_001256545.2(MEGF10):c.2290G>A (p.Gly764Arg)

Gene: MEGF10 (multiple EGF like domains 10; plus strand). Cytogenetic location: 5q23.2.
Variant type: single nucleotide variant.
Coding change: c.2290G>A on transcript NM_001256545.2 (MANE Select); coding-DNA position 2290, G replaced by A.
Protein change: p.Gly764Arg; replaces glycine 764 with arginine.
Molecular consequence: missense variant.
Genome position (GRCh38, 1-based): chr5:127,440,795, G>A. VCF-style: chr5-127440795-G-A. GRCh37 (hg19) VCF-style: chr5-126776487-G-A.
Other names: c.2290G>A, p.Gly764Arg (NM_032446.3); short protein forms G764R.
Identifiers: ClinVar variation 643383 (VCV000643383.9), dbSNP rs769798459, ClinGen allele CA3391895.